The following is an entry in ClinVar:

NM_000478.6(ALPL):c.1524_1537del (p.Gly509fs)

Gene: ALPL (alkaline phosphatase, biomineralization associated; plus strand). Cytogenetic location: 1p36.12.
Variant type: Deletion.
Coding change: c.1524_1537del on transcript NM_000478.6 (MANE Select); coding-DNA positions 1524 to 1537, 14 bases deleted (AGGCCCCCTGCTGC).
Protein change: p.Gly509fs; shifts the reading frame from glycine 509.
Molecular consequence: frameshift variant.
Genome position (GRCh38, 1-based): chr1:21,577,597-21,577,610, AGGCCCCCTGCTGC deleted; deleting any 14 consecutive bases within chr1:21,577,591-21,577,610 gives the same sequence; the c. name uses the placement nearest the transcript's 3' end. VCF-style (leftmost placement, unchanged base first): chr1-21577590-TTGCTGCAGGCCCCC-T. GRCh37 (hg19) VCF-style: chr1-21904083-TTGCTGCAGGCCCCC-T.
Other names: c.1359_1372del, p.Gly454fs (NM_001127501.4); c.1293_1306del, p.Gly432fs (NM_001177520.3); c.1524_1537del, p.Gly509fs (NM_001369803.2, NM_001369804.2, NM_001369805.2); short protein forms G432fs, G454fs, G509fs.
Identifiers: ClinVar variation 4974796 (VCV004974796.1).

ClinVar aggregate classification (germline): Likely pathogenic (1 of 4 stars; one submission).

Conditions:
Hypophosphatasia. Also called: Phosphoethanol-aminuria. Identifiers: Orphanet 436, MedGen C0020630, MeSH D007014, MONDO:0018570.

Submission:

Genomenon, Inc
Classification: Likely pathogenic for Hypophosphatasia. Last evaluated: 2026-09-01. Review status: criteria provided, single submitter. Criteria: Genomenon Sequence Variant Interpretation Standards - Updated. Collection method: curation. Allele origin: germline. Affected: no.
Comment: ALPL p.Gly509ArgfsTer? (c.1524_1537del) is a frameshift variant that results in the production of an extended protein product that disrupts the C-terminal GPI anchor signal sequence. This variant has been reported in the published literature (PMID:39983296). It is absent or not present at a significant frequency in gnomAD. In conclusion, we classify ALPL p.Gly509ArgfsTer? (c.1524_1537del) as a likely pathogenic variant.

Literature cited by the submitters: PubMed 39983296.